The following is an entry in ClinVar:

NM_000237.3(LPL):c.632C>A (p.Thr211Lys)

Gene: LPL (lipoprotein lipase; plus strand). Cytogenetic location: 8p21.3.
Variant type: single nucleotide variant.
Coding change: c.632C>A on transcript NM_000237.3 (MANE Select); coding-DNA position 632, C replaced by A.
Protein change: p.Thr211Lys; replaces threonine 211 with lysine.
Molecular consequence: missense variant.
Genome position (GRCh38, 1-based): chr8:19,954,210, C>A. VCF-style: chr8-19954210-C-A. GRCh37 (hg19) VCF-style: chr8-19811721-C-A.
Other names: short protein forms T211K.
Identifiers: ClinVar variation 3376967 (VCV003376967.1).
Genomic context (GRCh38, chr8:19,954,210, plus strand): 5'-ATGCAGAAGCCCCGAGTCGTCTTTCTCCTGATGATGCAGATTTTGTAGACGTCTTACACA[C>A]ATTCACCAGAGGGTCCCCTGGTCGAAGCATTGGAATCCAGAAACCAGTTGGGCATGTTGA-3'
Protein context (NP_000228.1, residues 201-221): DDADFVDVLH[Thr211Lys]FTRGSPGRSI

ClinVar aggregate classification (germline): Likely pathogenic (1 of 4 stars; one submission).

Conditions:
Hyperlipoproteinemia, type I. Also called: Lipoprotein Lipase Deficiency; Hyperlipoproteinemia type 1; Hyperchylomicro-nemia familial; Familial chylomicronemia; Hyperlipemia idiopathic Burger-Grutz type; Familial hyperlipo-proteinemia type 1. Identifiers: Orphanet 309015, Orphanet 444490, MedGen C0023817, MONDO:0009387, OMIM 238600. Disease mechanism: loss of function.

gnomAD v4.1: 1 of 1,614,202 alleles (0.000062%); highest among the groups gnomAD compares: South Asian, 0.0011%; no homozygotes.

Submission:

Victorian Clinical Genetics Services, Murdoch Childrens Research Institute
Classification: Likely pathogenic for Hyperlipoproteinemia, type I. Last evaluated: 2023-12-21. Review status: criteria provided, single submitter. Criteria: ACMG Guidelines, 2015. Collection method: clinical testing. Allele origin: germline. Inheritance: Autosomal recessive inheritance. Affected: yes.
Comment: Based on the classification scheme VCGS_Germline_v1.3.4, this variant is classified as Likely Pathogenic. Following criteria are met: 0102 - Loss of function is a known mechanism of disease in this gene and is associated with dominant familial combined hyperlipidaemia (MIM#144250) and recessive lipoprotein lipase deficiency (MIM#238600) known as type I hyperlipoproteinaemia (T1HLP). (I) 0108 - This gene is associated with both recessive and dominant disease (OMIM). (I) 0115 - Variants in this gene are known to have variable expressivity (PMID: 12204001). (I) 0200 - Variant is predicted to result in a missense amino acid change from threonine to lysine. (I) 0252 - This variant is homozygous. (I) 0304 - Variant is present in gnomAD (v2) <0.01 (1 heterozygote, 0 homozygotes). (SP) 0309 - An alternative amino acid change at the same position has been observed in gnomAD (v2) (1 heterozygote, 0 homozygotes). (I) 0501 - Missense variant consistently predicted to be damaging by multiple in silico tools or highly conserved with a major amino acid change. (SP) 0600 - Variant is located in the annotated lipase domain (DECIPHER). (I) 0710 - Another missense variant comparable to the one identified in this case has inconclusive previous evidence for pathogenicity. This variant, p.(Thr211Ser), has been observed in an individual from a coronary artery disease cohort (PMID: 28267856). (I) 0809 - Previous evidence of pathogenicity for this variant is inconclusive. This variant has been observed once within the control cohort of a coronary artery disease study (PMID: 28267856). (I) 0905 - No published segregation evidence has been identified for this variant. (I) 1007 - No published functional evidence has been identified for this variant. (I) 1101 - Very strong and specific phenotype match for this individual. (I) Legend: (SP) - Supporting pathogenic, (I) - Information, (SB) - Supporting benign

Literature cited by the submitters: PubMed 12204001; PubMed 28267856.